The following is an entry in ClinVar:

NM_020778.5(ALPK3):c.3290C>T (p.Pro1097Leu)

Gene: ALPK3 (alpha kinase 3; plus strand). Cytogenetic location: 15q25.3.
Variant type: single nucleotide variant.
Coding change: c.3290C>T on transcript NM_020778.5 (MANE Select); coding-DNA position 3290, C replaced by T.
Protein change: p.Pro1097Leu; replaces proline 1097 with leucine.
Molecular consequence: missense variant.
Genome position (GRCh38, 1-based): chr15:84,858,028, C>T. VCF-style: chr15-84858028-C-T. GRCh37 (hg19) VCF-style: chr15-85401259-C-T.
Other names: p.Pro1299Leu; short protein forms P1299L, P1097L.
Identifiers: ClinVar variation 383785 (VCV000383785.20), dbSNP rs306197, ClinGen allele CA7709596.

ClinVar aggregate classification (germline): Benign. Review status: criteria provided, multiple submitters, no conflicts (2 of 4 stars). 11 submissions from 11 submitters: Benign (8). 3 of the submissions do not count toward it. Last evaluated 2026-02-04.

Conditions:
Cardiovascular phenotype. Identifiers: MedGen CN230736.
ALPK3-related disorder. Also called: ALPK3-related condition.

Allele frequency attached by ClinVar (database versions not stated): gnomAD exomes 0.74762 and 0.75781; ExAC 0.76441; gnomAD 0.78153 and 0.78256; TOPMed 0.78192; ESP Exome Variant Server 0.78912; 1000 Genomes Project 30x 0.80356; 1000 Genomes Project 0.80471.
gnomAD v4.1: 1,183,490 of 1,575,522 alleles (75%); highest among the groups gnomAD compares: African/African-American, 87%; 445,458 homozygotes.

Submissions (11):

Labcorp Genetics (formerly Invitae), Labcorp
Classification: Benign. Last evaluated: 2026-02-04. Review status: criteria provided, single submitter. Criteria: Invitae Variant Classification Sherloc (09022015). Collection method: clinical testing. Allele origin: germline.

Molecular Diagnostic Laboratory for Inherited Cardiovascular Disease, Montreal Heart Institute
Classification: Benign. Last evaluated: 2025-04-09. Review status: criteria provided, single submitter. Criteria: ACMG Guidelines, 2015. Collection method: clinical testing. Allele origin: germline. Affected: no.

Blueprint Genetics
Classification: Benign. Last evaluated: 2024-11-27. Review status: criteria provided, single submitter. Criteria: ACMG Guidelines, 2015. Collection method: clinical testing. Allele origin: germline.

Women's Health and Genetics/Laboratory Corporation of America, LabCorp
Classification: Benign. Last evaluated: 2023-04-04. Review status: criteria provided, single submitter. Criteria: LabCorp Variant Classification Summary - May 2015. Collection method: clinical testing. Allele origin: germline.

Mayo Clinic Laboratories, Mayo Clinic
Classification: Benign. Last evaluated: 2022-04-26. Review status: criteria provided, single submitter. Criteria: ACMG Guidelines, 2015. Collection method: clinical testing. Allele origin: germline. Observed: 894 variant alleles.

Ambry Genetics
Classification: Benign for Cardiovascular phenotype. Last evaluated: 2018-12-04. Review status: criteria provided, single submitter. Criteria: Ambry Variant Classification Scheme 2023. Collection method: clinical testing. Allele origin: germline.

GeneDx
Classification: Benign. Last evaluated: 2016-09-09. Review status: criteria provided, single submitter. Criteria: GeneDx Variant Classification (06012015). Collection method: clinical testing. Allele origin: germline. Affected: yes.
Comment: This variant is considered likely benign or benign based on one or more of the following criteria: it is a conservative change, it occurs at a poorly conserved position in the protein, it is predicted to be benign by multiple in silico algorithms, and/or has population frequency not consistent with disease.

Breakthrough Genomics
Classification: Benign. Review status: criteria provided, single submitter. Criteria: ACMG Guidelines, 2015. Collection method: not provided. Allele origin: germline. Inheritance: Autosomal recessive inheritance. Affected: yes.

PreventionGenetics, part of Exact Sciences
Classification: Benign for ALPK3-related condition. Last evaluated: 2019-07-15. Review status: no assertion criteria provided. Collection method: clinical testing. Allele origin: germline. Not counted in ClinVar's aggregate classification.
Comment: This variant is classified as benign based on ACMG/AMP sequence variant interpretation guidelines (Richards et al. 2015 PMID: 25741868, with internal and published modifications).

Clinical Genetics DNA and cytogenetics Diagnostics Lab, Erasmus MC, Erasmus Medical Center
Classification: Benign. Review status: no assertion criteria provided. Collection method: clinical testing. Allele origin: germline. Affected: yes. Study: VKGL Data-share Consensus. Not counted in ClinVar's aggregate classification.

Clinical Genetics, Academic Medical Center
Classification: Benign. Review status: no assertion criteria provided. Collection method: clinical testing. Allele origin: germline. Affected: yes. Study: VKGL Data-share Consensus. Not counted in ClinVar's aggregate classification.